The following is an entry in ClinVar:

ClinVar aggregate classification (germline): Uncertain significance (1 of 4 stars; one submission).

gnomAD v4.1: 1 of 1,598,962 alleles (0.000063%); no homozygotes.

Submission:

Labcorp Genetics (formerly Invitae), Labcorp
Classification: Uncertain significance. Last evaluated: 2022-02-22. Review status: criteria provided, single submitter. Criteria: Invitae Variant Classification Sherloc (09022015). Collection method: clinical testing. Allele origin: germline.
Comment: This sequence change replaces arginine, which is basic and polar, with glycine, which is neutral and non-polar, at codon 115 of the TIMM50 protein (p.Arg115Gly). The frequency data for this variant in the population databases is considered unreliable, as metrics indicate poor data quality at this position in the gnomAD database. In summary, the available evidence is currently insufficient to determine the role of this variant in disease. Therefore, it has been classified as a Variant of Uncertain Significance. Algorithms developed to predict the effect of missense changes on protein structure and function output the following: SIFT: "Not Available"; PolyPhen-2: "Benign"; Align-GVGD: "Not Available". The glycine amino acid residue is found in multiple mammalian species, which suggests that this missense change does not adversely affect protein function. This variant has not been reported in the literature in individuals affected with TIMM50-related conditions.

NM_001001563.5(TIMM50):c.34C>G (p.Arg12Gly)

Gene: TIMM50 (translocase of inner mitochondrial membrane 50; plus strand). Cytogenetic location: 19q13.2.
Variant type: single nucleotide variant.
Coding change: c.34C>G on transcript NM_001001563.5 (MANE Select); coding-DNA position 34, C replaced by G.
Protein change: p.Arg12Gly; replaces arginine 12 with glycine.
Molecular consequence: missense variant. On other transcripts: 5 prime UTR variant (1).
Genome position (GRCh38, 1-based): chr19:39,480,887, C>G. VCF-style: chr19-39480887-C-G. GRCh37 (hg19) VCF-style: chr19-39971527-C-G.
Other names: c.-247C>G (NM_001329559.2); short protein forms R12G.
Identifiers: ClinVar variation 2053989 (VCV002053989.4), dbSNP rs780447973, ClinGen allele CA405785859.